The following is an entry in ClinVar:

NM_007294.4(BRCA1):c.5164T>A (p.Ser1722Thr)

Gene: BRCA1 (BRCA1 DNA repair associated; minus strand). Cytogenetic location: 17q21.31.
Variant type: single nucleotide variant.
Coding change: c.5164T>A on transcript NM_007294.4 (MANE Select); coding-DNA position 5164, T replaced by A.
Protein change: p.Ser1722Thr; replaces serine 1722 with threonine.
Molecular consequence: missense variant. On other transcripts: non-coding transcript variant (1).
Genome position (GRCh38, 1-based): chr17:43,063,362, A>T on the plus strand (T>A on the coding strand, the complement: BRCA1 is on the minus strand). VCF-style: chr17-43063362-A-T. GRCh37 (hg19) VCF-style: chr17-41215379-A-T.
Other names: c.4951T>A, p.Ser1651Thr (NM_001407571.1, NM_001407900.1, NM_001407902.1 and 12 more transcripts); c.5230T>A, p.Ser1744Thr (NM_001407581.1, NM_001407582.1); c.5227T>A, p.Ser1743Thr (NM_001407583.1, NM_001407585.1, NM_001407587.1 and 1 more transcripts); c.5161T>A, p.Ser1721Thr (NM_001407610.1, NM_001407611.1, NM_001407612.1 and 17 more transcripts); c.5158T>A, p.Ser1720Thr (NM_001407629.1, NM_001407630.1, NM_001407631.1 and 14 more transcripts); c.5104T>A, p.Ser1702Thr (NM_001407649.1); c.5086T>A, p.Ser1696Thr (NM_001407652.1, NM_001407653.1, NM_001407654.1 and 1 more transcripts); c.5083T>A, p.Ser1695Thr (NM_001407656.1, NM_001407657.1, NM_001407658.1); and 72 more; short protein forms S1743T, S1675T, S618T, S1722T, S1568T, S1593T, S1609T, S1650T.
Identifiers: ClinVar variation 868764 (VCV000868764.3), dbSNP rs483353100, ClinGen allele CA10591217.

Conditions:
Breast-ovarian cancer, familial, susceptibility to, 1 (BROVCA1). Also called: BRCA1 Hereditary Breast and Ovarian Cancer; OVARIAN CANCER, SUSCEPTIBILITY TO. Identifiers: Orphanet 145, MedGen C2676676, MONDO:0011450, OMIM 604370. Disease mechanism: loss of function.

Submission:

Brotman Baty Institute, University of Washington
No classification provided (evidence only). Condition: Breast-ovarian cancer, familial 1. Review status: no classification provided. Collection method: in vitro. Allele origin: not applicable. Functional consequence: functionally_normal.
ClinVar note: "not provided" was previously submitted as the classification for the variant. However, the classification appeared to be based only on an observation of functional data so it was converted to no classification on 2025-07-30.